The following is an entry in ClinVar:

ClinVar aggregate classification (germline): Uncertain significance (1 of 4 stars; one submission).

Submission:

GeneDx
Classification: Uncertain significance. Last evaluated: 2025-05-22. Review status: criteria provided, single submitter. Criteria: GeneDx Variant Classification Process June 2021. Collection method: clinical testing. Allele origin: germline. Affected: yes.
Comment: Not observed at significant frequency in large population cohorts (gnomAD); In silico analysis suggests that this missense variant does not alter protein structure/function; Has not been previously published as pathogenic or benign to our knowledge

NM_001448.3(GPC4):c.718C>T (p.Pro240Ser)

Gene: GPC4 (glypican 4; minus strand). Cytogenetic location: Xq26.2.
Variant type: single nucleotide variant.
Coding change: c.718C>T on transcript NM_001448.3 (MANE Select); coding-DNA position 718, C replaced by T.
Protein change: p.Pro240Ser; replaces proline 240 with serine.
Molecular consequence: missense variant.
Genome position (GRCh38, 1-based): chrX:133,311,417, G>A on the plus strand (C>T on the coding strand, the complement: GPC4 is on the minus strand). VCF-style: chrX-133311417-G-A. GRCh37 (hg19) VCF-style: chrX-132445445-G-A.
Other names: short protein forms P240S.
Identifiers: ClinVar variation 4530923 (VCV004530923.1).